The following is an entry in ClinVar:

NM_016284.5(CNOT1):c.896G>A (p.Arg299Gln)

Gene: CNOT1 (CCR4-NOT transcription complex subunit 1; minus strand). Cytogenetic location: 16q21.
Variant type: single nucleotide variant.
Coding change: c.896G>A on transcript NM_016284.5 (MANE Select); coding-DNA position 896, G replaced by A.
Protein change: p.Arg299Gln; replaces arginine 299 with glutamine.
Molecular consequence: missense variant. On other transcripts: non-coding transcript variant (1).
Genome position (GRCh38, 1-based): chr16:58,583,093, C>T on the plus strand (G>A on the coding strand, the complement: CNOT1 is on the minus strand). VCF-style: chr16-58583093-C-T. GRCh37 (hg19) VCF-style: chr16-58616997-C-T.
Other names: c.896G>A (NM_016284.4); c.896G>A, p.Arg299Gln (NM_001265612.2, NM_206999.3); short protein forms R299Q.
Identifiers: ClinVar variation 1620600 (VCV001620600.11), dbSNP rs34830321, ClinGen allele CA8090041.

ClinVar aggregate classification (germline): Benign. Review status: criteria provided, multiple submitters, no conflicts (2 of 4 stars). 3 submissions from 3 submitters: Benign (2). 1 of the submissions does not count toward it. Last evaluated 2026-01-27.

Conditions:
CNOT1-related disorder. Also called: CNOT1-related condition.

Allele frequency attached by ClinVar (database versions not stated): 1000 Genomes Project 0.00559; 1000 Genomes Project 30x 0.00609; gnomAD 0.01069 and 0.01076; TOPMed 0.01086; gnomAD exomes 0.01102 and 0.01366; ExAC 0.01123; ESP Exome Variant Server 0.01262.

Submissions (3):

Labcorp Genetics (formerly Invitae), Labcorp
Classification: Benign. Last evaluated: 2026-01-27. Review status: criteria provided, single submitter. Criteria: Invitae Variant Classification Sherloc (09022015). Collection method: clinical testing. Allele origin: germline.

Breakthrough Genomics
Classification: Benign. Review status: criteria provided, single submitter. Criteria: ACMG Guidelines, 2015. Collection method: not provided. Allele origin: germline. Inheritance: Autosomal dominant inheritance. Affected: yes.

PreventionGenetics, part of Exact Sciences
Classification: Benign for CNOT1-related condition. Last evaluated: 2019-02-22. Review status: no assertion criteria provided. Collection method: clinical testing. Allele origin: germline. Not counted in ClinVar's aggregate classification.
Comment: This variant is classified as benign based on ACMG/AMP sequence variant interpretation guidelines (Richards et al. 2015 PMID: 25741868, with internal and published modifications).